The following is an entry in ClinVar:

NM_000214.3(JAG1):c.2372+2dup

Gene: JAG1 (jagged canonical Notch ligand 1; minus strand). Cytogenetic location: 20p12.2.
Variant type: Duplication.
Coding change: c.2372+2dup on transcript NM_000214.3 (MANE Select); the canonical splice donor site of the intron after coding-DNA position 2372, one base duplicated (T; older notation c.2372+2dupT).
Molecular consequence: splice donor variant.
Genome position (GRCh38, 1-based): chr20:10,644,355, A duplicated on the plus strand (T on the coding strand, the reverse complement: JAG1 is on the minus strand). VCF-style (leftmost placement, unchanged base first): chr20-10644354-T-TA. GRCh37 (hg19) VCF-style: chr20-10625002-T-TA.
Identifiers: ClinVar variation 4686122 (VCV004686122.1).
Genomic context (GRCh38, chr20:10,644,354, plus strand): 5'-ACACACACACACACACACACACGATAGTGGATGAGTGCTGGCTTAAAAGGATGTCACACT[T>TA]ACCAGGGATGAGGGCTGCAGTCATTGGTATCTGCAAAGAAAAGACAACTTAATAGTGAGG-3'

ClinVar aggregate classification (germline): Pathogenic (1 of 4 stars; one submission).

Submission:

GeneDx
Classification: Pathogenic. Last evaluated: 2025-07-18. Review status: criteria provided, single submitter. Criteria: GeneDx Variant Classification Process June 2021. Collection method: clinical testing. Allele origin: germline. Affected: yes.
Comment: Canonical splice site variant predicted to result in a null allele in a gene for which loss of function is a known mechanism of disease; Not observed at significant frequency in large population cohorts (gnomAD); This variant is associated with the following publications: (PMID: 12497640)